The following is an entry in ClinVar:

ClinVar aggregate classification (germline): Uncertain significance (1 of 4 stars; one submission).

Conditions:
Compton-North congenital myopathy (CMYO12). Identifiers: Orphanet 210163, MedGen C2675527, MONDO:0012929, OMIM 612540.

Allele frequency attached by ClinVar (database versions not stated): gnomAD 0.00001; TOPMed 0.00001; ESP Exome Variant Server 0.00008.
gnomAD v4.1: 2 of 1,612,032 alleles (0.00012%); highest among the groups gnomAD compares: African/African-American, 0.0027%; no homozygotes.

Submission:

Labcorp Genetics (formerly Invitae), Labcorp
Classification: Uncertain significance for Compton-North congenital myopathy. Last evaluated: 2022-10-24. Review status: criteria provided, single submitter. Criteria: Invitae Variant Classification Sherloc (09022015). Collection method: clinical testing. Allele origin: germline.
Comment: This sequence change replaces glutamine, which is neutral and polar, with glutamic acid, which is acidic and polar, at codon 301 of the CNTN1 protein (p.Gln301Glu). This variant is not present in population databases (gnomAD no frequency). This variant has not been reported in the literature in individuals affected with CNTN1-related conditions. ClinVar contains an entry for this variant (Variation ID: 1491084). Advanced modeling of protein sequence and biophysical properties (such as structural, functional, and spatial information, amino acid conservation, physicochemical variation, residue mobility, and thermodynamic stability) performed at Invitae indicates that this missense variant is not expected to disrupt CNTN1 protein function. In summary, the available evidence is currently insufficient to determine the role of this variant in disease. Therefore, it has been classified as a Variant of Uncertain Significance.

NM_001843.4(CNTN1):c.901C>G (p.Gln301Glu)

Gene: CNTN1 (contactin 1; plus strand). Cytogenetic location: 12q12.
Variant type: single nucleotide variant.
Coding change: c.901C>G on transcript NM_001843.4 (MANE Select); coding-DNA position 901, C replaced by G.
Protein change: p.Gln301Glu; replaces glutamine 301 with glutamic acid.
Molecular consequence: missense variant.
Genome position (GRCh38, 1-based): chr12:40,933,794, C>G. VCF-style: chr12-40933794-C-G. GRCh37 (hg19) VCF-style: chr12-41327596-C-G.
Other names: c.901C>G, p.Gln301Glu (NM_001256063.2, NM_001256064.2); c.868C>G, p.Gln290Glu (NM_175038.2); short protein forms Q290E, Q301E.
Identifiers: ClinVar variation 1491084 (VCV001491084.8), dbSNP rs145955800, ClinGen allele CA235398480.